The following is an entry in ClinVar:

NM_001024630.4(RUNX2):c.196del (p.Gln66fs)

Genes: RUNX2 (RUNX family transcription factor 2; plus strand), LOC109611589 (runt related transcription factor 2 polyalanine expansion region; plus strand). Cytogenetic location: 6p21.1.
Variant type: Deletion.
Coding change: c.196del on transcript NM_001024630.4 (MANE Select); coding-DNA position 196, one base deleted (C; older notation c.196delC).
Protein change: p.Gln66fs; shifts the reading frame from glutamine 66.
Molecular consequence: frameshift variant.
Genome position (GRCh38, 1-based): chr6:45,422,730, C deleted. VCF-style (leftmost placement, unchanged base first): chr6-45422729-AC-A. GRCh37 (hg19) VCF-style: chr6-45390466-AC-A.
Other names: c.196del, p.Gln66fs (NM_001015051.4); c.154del, p.Gln52fs (NM_001278478.2, NM_001369405.1); short protein forms Q52fs, Q66fs.
Identifiers: ClinVar variation 4720035 (VCV004720035.1).
Genomic context (GRCh38, chr6:45,422,729, plus strand): 5'-GGTGGCTGCGCAACAGCAGCAGCAACAGCAGCAGCAGCAACAGCAGCAGCAGCAGCAGCA[AC>A]AGCAGCAGCAGCAGCAGGAGGCGGCGGCGGCGGCTGCGGCGGCGGCGGCGGCTGCGGCGG-3'

ClinVar aggregate classification (germline): Pathogenic (1 of 4 stars; one submission).

Submission:

Labcorp Genetics (formerly Invitae), Labcorp
Classification: Pathogenic. Last evaluated: 2025-05-22. Review status: criteria provided, single submitter. Criteria: Invitae Variant Classification Sherloc (09022015). Collection method: clinical testing. Allele origin: germline.
Comment: This sequence change creates a premature translational stop signal (p.Gln66Serfs*78) in the RUNX2 gene. It is expected to result in an absent or disrupted protein product. Loss-of-function variants in RUNX2 are known to be pathogenic (PMID: 10521292, 11857736). This variant is not present in population databases (gnomAD no frequency). This variant has not been reported in the literature in individuals affected with RUNX2-related conditions. For these reasons, this variant has been classified as Pathogenic.

Literature cited by the submitters: PubMed 10521292; PubMed 11857736.